The following is an entry in ClinVar:

NM_001283009.2(RTEL1):c.3812G>A (p.Arg1271Gln)

Genes: RTEL1 (regulator of telomere elongation helicase 1; plus strand), RTEL1-TNFRSF6B (RTEL1-TNFRSF6B readthrough (NMD candidate); plus strand). Cytogenetic location: 20q13.33.
Variant type: single nucleotide variant.
Coding change: c.3812G>A on transcript NM_001283009.2 (MANE Select); coding-DNA position 3812, G replaced by A.
Protein change: p.Arg1271Gln; replaces arginine 1271 with glutamine.
Molecular consequence: missense variant. On other transcripts: non-coding transcript variant (1), intron variant (3).
Genome position (GRCh38, 1-based): chr20:63,695,640, G>A. VCF-style: chr20-63695640-G-A. GRCh37 (hg19) VCF-style: chr20-62326993-G-A.
Other names: c.2984-138G>A (NM_001283010.1); c.3725-138G>A (NM_032957.5); c.3653-138G>A (NM_016434.4); short protein forms R1271Q.
Identifiers: ClinVar variation 1432189 (VCV001432189.9), dbSNP rs754719045, ClinGen allele CA9966190.

ClinVar aggregate classification (germline): Conflicting classifications of pathogenicity. Review status: criteria provided, conflicting classifications (1 of 4 stars). 2 submissions from 2 submitters: Uncertain significance (1); Likely benign (1). Last evaluated 2025-12-01.

Conditions:
Inborn genetic diseases. Identifiers: MedGen C0950123, MeSH D030342.
Pulmonary fibrosis and/or bone marrow failure, Telomere-related, 3. Also called: PULMONARY FIBROSIS AND/OR BONE MARROW FAILURE SYNDROME, TELOMERE-RELATED, 3. Identifiers: Orphanet 2032, MedGen C4225346, MONDO:0014613, OMIM 616373.
Dyskeratosis congenita, autosomal recessive 5 (DKCB5). Identifiers: MedGen C3554656, MONDO:0014076, OMIM 615190.

Allele frequency attached by ClinVar (database versions not stated): gnomAD exomes 0.00001; TOPMed 0.00001; ExAC 0.00001; gnomAD 0.00001.
gnomAD v4.1: 14 of 1,611,094 alleles (0.00087%); highest among the groups gnomAD compares: African/African-American, 0.0067%; no homozygotes.

Submissions (2):

Labcorp Genetics (formerly Invitae), Labcorp
Classification: Uncertain significance for Dyskeratosis congenita, autosomal recessive 5; Pulmonary fibrosis and/or bone marrow failure, Telomere-related, 3. Last evaluated: 2025-12-01. Review status: criteria provided, single submitter. Criteria: Invitae Variant Classification Sherloc (09022015). Collection method: clinical testing. Allele origin: germline.
Comment: This sequence change replaces arginine, which is basic and polar, with glutamine, which is neutral and polar, at codon 1271 of the RTEL1 protein (p.Arg1271Gln). The frequency data for this variant in the population databases is considered unreliable, as metrics indicate poor data quality at this position in the gnomAD database. This variant has not been reported in the literature in individuals affected with RTEL1-related conditions. ClinVar contains an entry for this variant (Variation ID: 1432189). An algorithm developed to predict the effect of missense changes on protein structure and function (PolyPhen-2) suggests that this variant is likely to be tolerated. In summary, the available evidence is currently insufficient to determine the role of this variant in disease. Therefore, it has been classified as a Variant of Uncertain Significance.

Ambry Genetics
Classification: Likely benign for Inborn genetic diseases. Last evaluated: 2025-01-31. Review status: criteria provided, single submitter. Criteria: Ambry Variant Classification Scheme 2023. Collection method: clinical testing. Allele origin: germline.